The following is an entry in ClinVar:

ClinVar aggregate classification (germline): Uncertain significance. Review status: criteria provided, multiple submitters, no conflicts (2 of 4 stars). 2 submissions from 2 submitters: Uncertain significance (2). Last evaluated 2024-04-16.

Conditions:
Inborn genetic diseases. Identifiers: MedGen C0950123, MeSH D030342.

Allele frequency attached by ClinVar (database versions not stated): ExAC 0.00002; gnomAD 0.00002; TOPMed 0.00002; gnomAD exomes 0.00003.
gnomAD v4.1: 50 of 1,614,060 alleles (0.0031%); highest among the groups gnomAD compares: Middle Eastern, 0.016%; no homozygotes.

Submissions (3):

Labcorp Genetics (formerly Invitae), Labcorp
Classification: Uncertain significance. Last evaluated: 2024-04-16. Review status: criteria provided, single submitter. Criteria: Invitae Variant Classification Sherloc (09022015). Collection method: clinical testing. Allele origin: germline.
Comment: This sequence change replaces asparagine, which is neutral and polar, with serine, which is neutral and polar, at codon 405 of the PRKCSH protein (p.Asn405Ser). This variant is present in population databases (rs754580626, gnomAD 0.01%). This variant has not been reported in the literature in individuals affected with PRKCSH-related conditions. Algorithms developed to predict the effect of missense changes on protein structure and function output the following: SIFT: "Not Available"; PolyPhen-2: "Benign"; Align-GVGD: "Not Available". The serine amino acid residue is found in multiple mammalian species, which suggests that this missense change does not adversely affect protein function. In summary, the available evidence is currently insufficient to determine the role of this variant in disease. Therefore, it has been classified as a Variant of Uncertain Significance.

Ambry Genetics
Classification: Uncertain significance for Inborn genetic diseases. Last evaluated: 2024-01-04. Review status: criteria provided, single submitter. Criteria: Ambry Variant Classification Scheme 2023. Collection method: clinical testing. Allele origin: germline.

Dr. Peter K. Rogan Lab, Western University
No classification provided (evidence only). Condition: Colorectal cancer. Review status: no classification provided. Collection method: in vitro. Allele origin: not applicable. Functional consequence: retained intron. Not counted in ClinVar's aggregate classification.

NM_001289104.2(PRKCSH):c.1235A>G (p.Asn412Ser)

Gene: PRKCSH (PRKCSH beta subunit of glucosidase II; plus strand). Cytogenetic location: 19p13.2.
Variant type: single nucleotide variant.
Coding change: c.1235A>G on transcript NM_001289104.2 (MANE Select); coding-DNA position 1235, A replaced by G.
Protein change: p.Asn412Ser; replaces asparagine 412 with serine.
Molecular consequence: missense variant.
Genome position (GRCh38, 1-based): chr19:11,448,578, A>G. VCF-style: chr19-11448578-A-G. GRCh37 (hg19) VCF-style: chr19-11559393-A-G.
Other names: c.1214A>G (NM_002743.2); c.1205A>G, p.Asn402Ser (NM_001001329.3, NM_001289102.2, NM_001379609.1); c.1235A>G, p.Asn412Ser (NM_001289103.2); c.1214A>G, p.Asn405Ser (NM_001379608.1, NM_002743.3); short protein forms N412S, N402S, N405S.
Identifiers: ClinVar variation 2968489 (VCV002968489.5), dbSNP rs754580626, ClinGen allele CA9213216.